The following is an entry in ClinVar:

NM_001913.5(CUX1):c.1717del (p.Ser573fs)

Gene: CUX1 (cut like homeobox 1; plus strand). Cytogenetic location: 7q22.1.
Variant type: Deletion.
Coding change: c.1717del on transcript NM_001913.5 (MANE Plus Clinical); coding-DNA position 1717, one base deleted (T; older notation c.1717delT).
Protein change: p.Ser573fs; shifts the reading frame from serine 573.
Molecular consequence: frameshift variant.
Genome position (GRCh38, 1-based): chr7:102,280,073, T deleted. VCF-style (leftmost placement, unchanged base first): chr7-102280072-GT-G. GRCh37 (hg19) VCF-style: chr7-101923364-GT-G.
Other names: c.1669del, p.Ser557fs (NM_001202544.3); c.1579del, p.Ser527fs (NM_001202545.3); c.1600del, p.Ser534fs (NM_001202546.3); c.1711del, p.Ser571fs (NM_181500.4); short protein forms S527fs, S534fs, S557fs, S571fs, S573fs.
Identifiers: ClinVar variation 1695206 (VCV001695206.28), dbSNP rs782125890, ClinGen allele CA4411769.
Genomic context (GRCh38, chr7:102,280,072, plus strand): 5'-TCTCTTCCCCTCCCTGTCTGTGCAGGGCAGCGGCAGTGATGACACGGAGCTGCGGTACTC[GT>G]CCCAGTACGAGGAGCGCCTGGACCCCTTCTCCTCCTTCAGCAAGCGGGTTCGTGAGCCCA-3'

ClinVar aggregate classification (germline): Uncertain significance (1 of 4 stars; one submission).

Allele frequency attached by ClinVar (database versions not stated): gnomAD 0.00001; ExAC 0.00002; gnomAD exomes 0.00004 and 0.00001; TOPMed 0.00001.

Submission:

CeGaT Center for Human Genetics Tuebingen
Classification: Uncertain significance. Last evaluated: 2022-10-01. Review status: criteria provided, single submitter. Criteria: CeGaT Center For Human Genetics Tuebingen Variant Classification Criteria Version 2. Collection method: clinical testing. Allele origin: germline. Affected: yes. Observed: 2 variant alleles.
Comment: CUX1: PM2, PVS1:Moderate